The following is an entry in ClinVar:

NM_020461.4(TUBGCP6):c.4123G>A (p.Gly1375Arg)

Gene: TUBGCP6 (tubulin gamma complex component 6; minus strand). Cytogenetic location: 22q13.33.
Variant type: single nucleotide variant.
Coding change: c.4123G>A on transcript NM_020461.4 (MANE Select); coding-DNA position 4123, G replaced by A.
Protein change: p.Gly1375Arg; replaces glycine 1375 with arginine.
Molecular consequence: missense variant.
Genome position (GRCh38, 1-based): chr22:50,220,001, C>T on the plus strand (G>A on the coding strand, the complement: TUBGCP6 is on the minus strand). VCF-style: chr22-50220001-C-T. GRCh37 (hg19) VCF-style: chr22-50658430-C-T.
Other names: c.4123G>A (NM_020461.3); short protein forms G1375R.
Identifiers: ClinVar variation 2148670 (VCV002148670.6), dbSNP rs201810892, ClinGen allele CA10307673.
Genomic context (GRCh38, chr22:50,220,001, plus strand): 5'-GCTGCATCCACCTAACCTGTGAGTTGAGAGGCCAATTTGGAGAGAGGTCCTCAGTGTCCC[C>T]GCTCCTCCCAGGGCCTGTGTGGACACAAGTGGACACGAGGGCATCAGGGCCGAGTGCCTG-3'
Protein context (NP_065194.3, residues 1365-1385): VSEELGPGRS[Gly1375Arg]DTEDLSPNWP

ClinVar aggregate classification (germline): Conflicting classifications of pathogenicity. Review status: criteria provided, conflicting classifications (1 of 4 stars). 3 submissions from 3 submitters: Uncertain significance (2); Likely benign (1). Last evaluated 2025-10-23.

Conditions:
Inborn genetic diseases. Identifiers: MedGen C0950123, MeSH D030342.

Allele frequency attached by ClinVar (database versions not stated): gnomAD exomes 0.00001; TOPMed 0.00001; gnomAD 0.00003; ExAC 0.00004; 1000 Genomes Project 30x 0.00016; 1000 Genomes Project 0.00020.
gnomAD v4.1: 19 of 1,613,786 alleles (0.0012%); highest among the groups gnomAD compares: Admixed American, 0.017%; no homozygotes.

Submissions (3):

Labcorp Genetics (formerly Invitae), Labcorp
Classification: Uncertain significance. Last evaluated: 2025-10-23. Review status: criteria provided, single submitter. Criteria: Invitae Variant Classification Sherloc (09022015). Collection method: clinical testing. Allele origin: germline.
Comment: This sequence change replaces glycine, which is neutral and non-polar, with arginine, which is basic and polar, at codon 1375 of the TUBGCP6 protein (p.Gly1375Arg). This variant is present in population databases (rs201810892, gnomAD 0.03%). This variant has not been reported in the literature in individuals affected with TUBGCP6-related conditions. ClinVar contains an entry for this variant (Variation ID: 2148670). An algorithm developed to predict the effect of missense changes on protein structure and function outputs the following: PolyPhen-2: "Benign". The arginine amino acid residue is found in multiple mammalian species, which suggests that this missense change does not adversely affect protein function. In summary, the available evidence is currently insufficient to determine the role of this variant in disease. Therefore, it has been classified as a Variant of Uncertain Significance.

Ambry Genetics
Classification: Uncertain significance for Inborn genetic diseases. Last evaluated: 2025-10-15. Review status: criteria provided, single submitter. Criteria: Ambry Variant Classification Scheme 2023. Collection method: clinical testing. Allele origin: germline.

Blueprint Genetics
Classification: Likely benign. Last evaluated: 2024-10-08. Review status: criteria provided, single submitter. Criteria: ACMG Guidelines, 2015. Collection method: clinical testing. Allele origin: germline.